The following is an entry in ClinVar:

ClinVar aggregate classification (germline): Uncertain significance (1 of 4 stars; one submission).

Conditions:
Peroxisome biogenesis disorder 5A (Zellweger) (PBD5A). Identifiers: Orphanet 912, MedGen C3553940, MONDO:0013932, OMIM 614866.

Submission:

Labcorp Genetics (formerly Invitae), Labcorp
Classification: Uncertain significance for Peroxisome biogenesis disorder 5A (Zellweger). Last evaluated: 2022-07-13. Review status: criteria provided, single submitter. Criteria: Invitae Variant Classification Sherloc (09022015). Collection method: clinical testing. Allele origin: germline.
Comment: This sequence change replaces threonine, which is neutral and polar, with arginine, which is basic and polar, at codon 285 of the PEX2 protein (p.Thr285Arg). This variant is not present in population databases (gnomAD no frequency). This variant has not been reported in the literature in individuals affected with PEX2-related conditions. Algorithms developed to predict the effect of missense changes on protein structure and function (SIFT, PolyPhen-2, Align-GVGD) all suggest that this variant is likely to be tolerated. In summary, the available evidence is currently insufficient to determine the role of this variant in disease. Therefore, it has been classified as a Variant of Uncertain Significance.

NM_000318.3(PEX2):c.854C>G (p.Thr285Arg)

Gene: PEX2 (peroxisomal biogenesis factor 2; minus strand). Cytogenetic location: 8q21.13.
Variant type: single nucleotide variant.
Coding change: c.854C>G on transcript NM_000318.3 (MANE Select); coding-DNA position 854, C replaced by G.
Protein change: p.Thr285Arg; replaces threonine 285 with arginine.
Molecular consequence: missense variant.
Genome position (GRCh38, 1-based): chr8:76,983,325, G>C on the plus strand (C>G on the coding strand, the complement: PEX2 is on the minus strand). VCF-style: chr8-76983325-G-C. GRCh37 (hg19) VCF-style: chr8-77895561-G-C.
Other names: c.854C>G, p.Thr285Arg (NM_001079867.2, NM_001172086.2, NM_001172087.2); short protein forms T285R.
Identifiers: ClinVar variation 2016679 (VCV002016679.4), dbSNP rs2487449985, ClinGen allele CA371556420.